The following is an entry in ClinVar:

ClinVar aggregate classification (germline): Uncertain significance. Review status: criteria provided, multiple submitters, no conflicts (2 of 4 stars). 3 submissions from 3 submitters: Uncertain significance (2). 1 of the submissions does not count toward it. Last evaluated 2025-12-23.

Conditions:
Ataxia-telangiectasia syndrome (AT). Also called: Ataxia-telangiectasia, complementation group D; AT, COMPLEMENTATION GROUP C; ATAXIA-TELANGIECTASIA, COMPLEMENTATION GROUP A; ATAXIA-TELANGIECTASIA, FRESNO VARIANT; Ataxia-telangiectasia; Ataxia-telangiectasia, complementation group E. Identifiers: Orphanet 100, MedGen C0004135, MONDO:0008840, OMIM 208900.
Hereditary cancer-predisposing syndrome. Also called: Neoplastic Syndromes, Hereditary; Tumor predisposition; Hereditary Cancer Syndrome; Hereditary neoplastic syndrome. Identifiers: Orphanet 140162, MedGen C0027672, MeSH D009386, MONDO:0015356.

Submissions (3):

Ambry Genetics
Classification: Uncertain significance for Hereditary cancer-predisposing syndrome. Last evaluated: 2025-12-23. Review status: criteria provided, single submitter. Criteria: Ambry Variant Classification Scheme 2023. Collection method: clinical testing. Allele origin: germline.
Comment: The p.K2413Q variant (also known as c.7237A>C), located in coding exon 48 of the ATM gene, results from an A to C substitution at nucleotide position 7237. The lysine at codon 2413 is replaced by glutamine, an amino acid with similar properties. In an assay testing ATM function, this variant showed a functionally abnormal result (Lee KS et al. Cell, 2025 Sep;188:5081-5099.e27). This amino acid position is highly conserved in available vertebrate species. In addition, the in silico prediction for this alteration is inconclusive. Based on the available evidence, the clinical significance of this variant remains unclear.

Labcorp Genetics (formerly Invitae), Labcorp
Classification: Uncertain significance for Ataxia-telangiectasia syndrome. Last evaluated: 2024-02-22. Review status: criteria provided, single submitter. Criteria: Invitae Variant Classification Sherloc (09022015). Collection method: clinical testing. Allele origin: germline.
Comment: This sequence change replaces lysine, which is basic and polar, with glutamine, which is neutral and polar, at codon 2413 of the ATM protein (p.Lys2413Gln). This variant is not present in population databases (gnomAD no frequency). This variant has not been reported in the literature in individuals affected with ATM-related conditions. An algorithm developed to predict the effect of missense changes on protein structure and function (PolyPhen-2) suggests that this variant is likely to be disruptive. In summary, the available evidence is currently insufficient to determine the role of this variant in disease. Therefore, it has been classified as a Variant of Uncertain Significance.

Natera, Inc.
Classification: Uncertain significance for Ataxia-telangiectasia. Last evaluated: 2025-03-17. Review status: no assertion criteria provided. Collection method: clinical testing. Allele origin: germline. Not counted in ClinVar's aggregate classification.

Literature cited by the submitters: PubMed 40580951 (cited by Ambry Genetics).

NM_000051.4(ATM):c.7237A>C (p.Lys2413Gln)

Genes: ATM (ATM serine/threonine kinase; plus strand), C11orf65 (chromosome 11 open reading frame 65; minus strand). Cytogenetic location: 11q22.3.
Variant type: single nucleotide variant.
Coding change: c.7237A>C on transcript NM_000051.4 (MANE Select); coding-DNA position 7237, A replaced by C.
Protein change: p.Lys2413Gln; replaces lysine 2413 with glutamine.
Molecular consequence: missense variant. On other transcripts: intron variant (2).
Genome position (GRCh38, 1-based): chr11:108,329,168, A>C. VCF-style: chr11-108329168-A-C. GRCh37 (hg19) VCF-style: chr11-108199895-A-C.
Other names: c.7237A>C, p.Lys2413Gln (NM_001351834.2); c.641-20097T>G (NM_001330368.2); c.*38+6052T>G (NM_001351110.2); short protein forms K2413Q.
Identifiers: ClinVar variation 3642344 (VCV003642344.3).